The following is an entry in ClinVar:

NM_138477.4(CDAN1):c.2660C>T (p.Ala887Val)

Gene: CDAN1 (codanin 1; minus strand). Cytogenetic location: 15q15.2.
Variant type: single nucleotide variant.
Coding change: c.2660C>T on transcript NM_138477.4 (MANE Select); coding-DNA position 2660, C replaced by T.
Protein change: p.Ala887Val; replaces alanine 887 with valine.
Molecular consequence: missense variant.
Genome position (GRCh38, 1-based): chr15:42,728,796, G>A on the plus strand (C>T on the coding strand, the complement: CDAN1 is on the minus strand). VCF-style: chr15-42728796-G-A. GRCh37 (hg19) VCF-style: chr15-43020994-G-A.
Other names: short protein forms A887V.
Identifiers: ClinVar variation 1805676 (VCV001805676.1), dbSNP rs375343604, ClinGen allele CA7515509.

ClinVar aggregate classification (germline): Uncertain significance (1 of 4 stars; one submission).

Conditions:
Anemia, congenital dyserythropoietic, type 1a (CDAN1A). Also called: CDAN1-Related Congenital Dyserythropoietic Anemia; DYSERYTHROPOIETIC ANEMIA, CONGENITAL, TYPE Ia. Identifiers: MedGen C5574667, MONDO:0009135, OMIM 224120.

Allele frequency attached by ClinVar (database versions not stated): ESP Exome Variant Server 0.00008.
gnomAD v4.1: 50 of 1,614,054 alleles (0.0031%); highest among the groups gnomAD compares: Non-Finnish European, 0.0042%; no homozygotes.

Submission:

Victorian Clinical Genetics Services, Murdoch Childrens Research Institute
Classification: Uncertain significance for Anemia, congenital dyserythropoietic, type 1a. Last evaluated: 2022-03-31. Review status: criteria provided, single submitter. Criteria: ACMG Guidelines, 2015. Collection method: clinical testing. Allele origin: germline. Inheritance: Autosomal recessive inheritance. Affected: yes.
Comment: Based on the classification scheme VCGS_Germline_v1.3.4, this variant is classified as VUS-3B. Following criteria are met: 0102 - Loss of function is a known mechanism of disease in this gene and is associated with congenital dyserythropoietic anemia, type Ia (MIM#224120). (I) 0106 - This gene is associated with autosomal recessive disease. (I) 0115 - Variants in this gene are known to have variable expressivity. Marked clinical variability has been seen even in individuals with the same variant (PMID: 20301759, GeneReviews). (I) 0200 - Variant is predicted to result in a missense amino acid change from alanine to valine. (I) 0251 - This variant is heterozygous. (I) 0304 - Variant is present in gnomAD v2 <0.01 for a recessive condition (2 heterozygotes, 0 homozygotes). (SP) 0309 - Multiple alternative amino acid changes at the same position have been observed in gnomAD (v2) (highest allele count: 36 heterozygotes, 0 homozygotes). (I) 0502 - Missense variant with conflicting in silico predictions and high conservation. (I) 0600 - Variant is located in the annotated codanin-1 C domain (DECIPHER). (I) 0705 - No comparable missense variants have previous evidence for pathogenicity. (I) 0807 - This variant has no previous evidence of pathogenicity. (I) 0905 - No published segregation evidence has been identified for this variant. (I) 1007 - No published functional evidence has been identified for this variant. (I) 1208 - Inheritance information for this variant is not currently available in this individual. (I) Legend: (SP) - Supporting pathogenic, (I) - Information, (SB) - Supporting benign

Literature cited by the submitters: PubMed 20301759.